The following is an entry in ClinVar:

ClinVar aggregate classification (germline): Uncertain significance (1 of 4 stars; one submission).

Conditions:
Cardiovascular phenotype. Identifiers: MedGen CN230736.

Allele frequency attached by ClinVar (database versions not stated): TOPMed below 0.00001.
gnomAD v4.1: 6 of 1,614,124 alleles (0.00037%); highest among the groups gnomAD compares: Non-Finnish European, 0.00051%; no homozygotes.

Submission:

Ambry Genetics
Classification: Uncertain significance for Cardiovascular phenotype. Last evaluated: 2023-05-08. Review status: criteria provided, single submitter. Criteria: Ambry Variant Classification Scheme 2023. Collection method: clinical testing. Allele origin: germline.
Comment: The p.D322N variant (also known as c.964G>A), located in coding exon 10 of the ACTN2 gene, results from a G to A substitution at nucleotide position 964. The aspartic acid at codon 322 is replaced by asparagine, an amino acid with highly similar properties. This alteration has been reported in an ostensibly healthy cohort (Mazzarotto F et al. Circulation, 2020 Feb;141:387-398). This amino acid position is highly conserved in available vertebrate species. In addition, this alteration is predicted to be tolerated by in silico analysis. Since supporting evidence is limited at this time, the clinical significance of this alteration remains unclear.

Literature cited by the submitters: PubMed 31983221.

NM_001103.4(ACTN2):c.964G>A (p.Asp322Asn)

Gene: ACTN2 (actinin alpha 2; plus strand). Cytogenetic location: 1q43.
Variant type: single nucleotide variant.
Coding change: c.964G>A on transcript NM_001103.4 (MANE Select); coding-DNA position 964, G replaced by A.
Protein change: p.Asp322Asn; replaces aspartic acid 322 with asparagine.
Molecular consequence: missense variant. On other transcripts: non-coding transcript variant (1).
Genome position (GRCh38, 1-based): chr1:236,739,389, G>A. VCF-style: chr1-236739389-G-A. GRCh37 (hg19) VCF-style: chr1-236902689-G-A.
Other names: c.964G>A, p.Asp322Asn (NM_001278343.2); c.340G>A, p.Asp114Asn (NM_001278344.2); c.214G>A, p.Asp72Asn (NM_001412150.1); short protein forms D114N, D322N, D72N.
Identifiers: ClinVar variation 2562764 (VCV002562764.2), dbSNP rs1416760371, ClinGen allele CA345380346.